The following is an entry in ClinVar:

NM_018972.4(GDAP1):c.614T>C (p.Leu205Ser)

Gene: GDAP1 (ganglioside induced differentiation associated protein 1; plus strand). Cytogenetic location: 8q21.11.
Variant type: single nucleotide variant.
Coding change: c.614T>C on transcript NM_018972.4 (MANE Select); coding-DNA position 614, T replaced by C.
Protein change: p.Leu205Ser; replaces leucine 205 with serine.
Molecular consequence: missense variant.
Genome position (GRCh38, 1-based): chr8:74,362,973, T>C. VCF-style: chr8-74362973-T-C. GRCh37 (hg19) VCF-style: chr8-75275208-T-C.
Other names: c.410T>C, p.Leu137Ser (NM_001040875.4); c.287T>C, p.Leu96Ser (NM_001362929.2, NM_001362932.2); c.440T>C, p.Leu147Ser (NM_001362930.2); c.614T>C, p.Leu205Ser (NM_001362931.2); short protein forms L205S, L147S, L137S, L96S.
Identifiers: ClinVar variation 241292 (VCV000241292.10), dbSNP rs878855054, ClinGen allele CA10582590.

ClinVar aggregate classification (germline): Uncertain significance. Review status: criteria provided, multiple submitters, no conflicts (2 of 4 stars). 2 submissions from 2 submitters: Uncertain significance (2). Last evaluated 2019-07-25.

Conditions:
Charcot-Marie-Tooth disease type 4A. Also called: Charcot-Marie-Tooth disease, demyelinating, autosomal recessive, type 4a. Identifiers: Orphanet 99948, MedGen C1859198, MONDO:0008961, OMIM 214400.

Allele frequency attached by ClinVar (database versions not stated): gnomAD 0.00001; gnomAD exomes 0.00001; TOPMed 0.00001.
gnomAD v4.1: 22 of 1,583,892 alleles (0.0014%); highest among the groups gnomAD compares: Non-Finnish European, 0.0019%; no homozygotes.

Submissions (2):

GeneDx
Classification: Uncertain significance. Last evaluated: 2019-07-25. Review status: criteria provided, single submitter. Criteria: GeneDx Variant Classification Process June 2021. Collection method: clinical testing. Allele origin: germline. Affected: yes.
Comment: In silico analysis, which includes protein predictors and evolutionary conservation, supports a deleterious effect; Has not been previously published as pathogenic or benign to our knowledge

Labcorp Genetics (formerly Invitae), Labcorp
Classification: Uncertain significance for Charcot-Marie-Tooth disease type 4A. Last evaluated: 2016-02-01. Review status: criteria provided, single submitter. Criteria: Invitae Variant Classification Sherloc (09022015). Collection method: clinical testing. Allele origin: germline.
Comment: This sequence change replaces leucine with serine at codon 205 of the GDAP1 protein (p.Leu205Ser). The leucine residue is highly conserved and there is a large physicochemical difference between leucine and serine. This variant is not present in population databases (ExAC no frequency) and has not been reported in the literature in individuals with a GDAP1-related disease. Algorithms developed to predict the effect of missense changes on protein structure and function do not agree on the potential impact of this missense change (SIFT: "Tolerated"; PolyPhen-2: "Probably Damaging"; Align-GVGD: "Class C0"). In summary, this is a novel missense change with uncertain impact on protein function. It has been classified as a Variant of Uncertain Significance.